The following is an entry in ClinVar:

NM_004168.4(SDHA):c.1524A>C (p.Thr508=)

Gene: SDHA (succinate dehydrogenase complex flavoprotein subunit A; plus strand). Cytogenetic location: 5p15.33.
Variant type: single nucleotide variant.
Coding change: c.1524A>C on transcript NM_004168.4 (MANE Select); coding-DNA position 1524, A replaced by C.
Protein change: p.Thr508=; no amino-acid change (threonine 508 retained).
Molecular consequence: synonymous variant.
Genome position (GRCh38, 1-based): chr5:240,449, A>C. VCF-style: chr5-240449-A-C. GRCh37 (hg19) VCF-style: chr5-240564-A-C.
Other names: c.1380A>C, p.Thr460= (NM_001294332.2); c.1524A>C, p.Thr508= (NM_001330758.2).
Identifiers: ClinVar variation 3904374 (VCV003904374.1).
Genomic context (GRCh38, chr5:240,449, plus strand): 5'-TGGGGAAGAATCTGTCATGAATCTTGACAAATTGAGATTTGCTGATGGAAGCATAAGAAC[A>C]TCGGAACTGCGACTCAGCATGCAGAAGGTAAGAGCCTGGACTCGCTCTGGAGTGAGCAGG-3'
Protein context (NP_004159.2, residues 498-518): KLRFADGSIR[Thr508=]SELRLSMQKS

ClinVar aggregate classification (germline): Benign (1 of 4 stars; one submission).

Conditions:
Pheochromocytoma/paraganglioma syndrome 5. Also called: Paragangliomas 5; SDHA-Related Hereditary Paraganglioma-Pheochromocytoma Syndrome. Identifiers: Orphanet 29072, MedGen C3279992, MONDO:0013602, OMIM 614165.

Submission:

Myriad Genetics, Inc.
Classification: Benign for Pheochromocytoma/paraganglioma syndrome 5. Last evaluated: 2025-03-10. Review status: criteria provided, single submitter. Criteria: Myriad Autosomal Dominant, Autosomal Recessive and X-Linked Classification Criteria (2023). Collection method: clinical testing. Allele origin: unknown.
Comment: This variant is considered benign. This variant is a silent/synonymous amino acid change and it is not expected to impact splicing.